The following is an entry in ClinVar:

ClinVar aggregate classification (germline): Uncertain significance. Review status: criteria provided, multiple submitters, no conflicts (2 of 4 stars). 2 submissions from 2 submitters: Uncertain significance (2). Last evaluated 2024-10-04.

Conditions:
Purine-nucleoside phosphorylase deficiency. Also called: NUCLEOSIDE PHOSPHORYLASE DEFICIENCY; Immunodeficiency due to purine nucleoside phosphorylase deficiency. Identifiers: Orphanet 760, MedGen C0268125, MONDO:0013171, OMIM 613179.
Inborn genetic diseases. Identifiers: MedGen C0950123, MeSH D030342.

Allele frequency attached by ClinVar (database versions not stated): gnomAD 0.00002 and 0.00003; TOPMed 0.00002; gnomAD exomes 0.00004 and 0.00007; ExAC 0.00008.

Submissions (2):

Ambry Genetics
Classification: Uncertain significance for Inborn genetic diseases. Last evaluated: 2024-10-04. Review status: criteria provided, single submitter. Criteria: Ambry Variant Classification Scheme 2023. Collection method: clinical testing. Allele origin: germline.

Labcorp Genetics (formerly Invitae), Labcorp
Classification: Uncertain significance for Purine-nucleoside phosphorylase deficiency. Last evaluated: 2018-02-20. Review status: criteria provided, single submitter. Criteria: Invitae Variant Classification Sherloc (09022015). Collection method: clinical testing. Allele origin: germline.
Comment: This sequence change replaces glutamic acid with glycine at codon 272 of the PNP protein (p.Glu272Gly). The glutamic acid residue is weakly conserved and there is a moderate physicochemical difference between glutamic acid and glycine. This variant is present in population databases (rs773751064, ExAC 0.05%). This variant has not been reported in the literature in individuals with PNP-related disease. Algorithms developed to predict the effect of missense changes on protein structure and function (SIFT, PolyPhen-2, Align-GVGD) all suggest that this variant is likely to be tolerated, but these predictions have not been confirmed by published functional studies and their clinical significance is uncertain. In summary, the available evidence is currently insufficient to determine the role of this variant in disease. Therefore, it has been classified as a Variant of Uncertain Significance.

NM_000270.4(PNP):c.815A>G (p.Glu272Gly)

Gene: PNP (purine nucleoside phosphorylase; plus strand). Cytogenetic location: 14q11.2.
Variant type: single nucleotide variant.
Coding change: c.815A>G on transcript NM_000270.4 (MANE Select); coding-DNA position 815, A replaced by G.
Protein change: p.Glu272Gly; replaces glutamic acid 272 with glycine.
Molecular consequence: missense variant.
Genome position (GRCh38, 1-based): chr14:20,476,546, A>G. VCF-style: chr14-20476546-A-G. GRCh37 (hg19) VCF-style: chr14-20944705-A-G.
Other names: short protein forms E272G.
Identifiers: ClinVar variation 579963 (VCV000579963.2), dbSNP rs773751064, ClinGen allele CA7082225.